The following is an entry in ClinVar:

ClinVar aggregate classification (germline): Uncertain significance (1 of 4 stars; one submission).

Submission:

Labcorp Genetics (formerly Invitae), Labcorp
Classification: Uncertain significance. Last evaluated: 2025-10-16. Review status: criteria provided, single submitter. Criteria: Invitae Variant Classification Sherloc (09022015). Collection method: clinical testing. Allele origin: germline.
Comment: This sequence change replaces glycine, which is neutral and non-polar, with serine, which is neutral and polar, at codon 220 of the MOCS3 protein (p.Gly220Ser). This variant is present in population databases (no rsID available, gnomAD 0.009%). This variant has not been reported in the literature in individuals affected with MOCS3-related conditions. ClinVar contains an entry for this variant (Variation ID: 3625034). An algorithm developed to predict the effect of missense changes on protein structure and function (PolyPhen-2) suggests that this variant is likely to be disruptive. In summary, the available evidence is currently insufficient to determine the role of this variant in disease. Therefore, it has been classified as a Variant of Uncertain Significance.

NM_014484.5(MOCS3):c.658G>A (p.Gly220Ser)

Gene: MOCS3 (molybdenum cofactor synthesis 3; plus strand). Cytogenetic location: 20q13.13.
Variant type: single nucleotide variant.
Coding change: c.658G>A on transcript NM_014484.5 (MANE Select); coding-DNA position 658, G replaced by A.
Protein change: p.Gly220Ser; replaces glycine 220 with serine.
Molecular consequence: missense variant.
Genome position (GRCh38, 1-based): chr20:50,959,500, G>A. VCF-style: chr20-50959500-G-A. GRCh37 (hg19) VCF-style: chr20-49576037-G-A.
Other names: short protein forms G220S.
Identifiers: ClinVar variation 3625034 (VCV003625034.2).